The following is an entry in ClinVar:

ClinVar aggregate classification (germline): Likely pathogenic (1 of 4 stars; one submission).

Submission:

GeneDx
Classification: Likely pathogenic. Last evaluated: 2025-02-28. Review status: criteria provided, single submitter. Criteria: GeneDx Variant Classification Process June 2021. Collection method: clinical testing. Allele origin: germline. Affected: yes.
Comment: Frameshift variant predicted to result in protein truncation or nonsense mediated decay in a gene or region of a gene for which loss of function is not a well-established mechanism of disease; Not observed at significant frequency in large population cohorts (gnomAD); This variant is associated with the following publications: (PMID: 38325380)

NM_003410.4(ZFX):c.529dup (p.Ser177fs)

Gene: ZFX (zinc finger protein X-linked; plus strand). Cytogenetic location: Xp22.11.
Variant type: Duplication.
Coding change: c.529dup on transcript NM_003410.4 (MANE Select); coding-DNA position 529, one base duplicated (T; older notation c.529dupT).
Protein change: p.Ser177fs; shifts the reading frame from serine 177.
Molecular consequence: frameshift variant. On other transcripts: intron variant (1).
Genome position (GRCh38, 1-based): chrX:24,179,653, T duplicated; the last of 3 consecutive T bases (chrX:24,179,651-24,179,653); duplicating any one gives the same sequence. VCF-style (leftmost placement, unchanged base first): chrX-24179650-G-GT. GRCh37 (hg19) VCF-style: chrX-24197767-G-GT.
Other names: c.529dup, p.Ser177fs (NM_001178084.2, NM_001178085.1, NM_001178095.2); c.646dup, p.Ser216fs (NM_001330327.2); c.-41-27673dup (NM_001178086.2); short protein forms S177fs, S216fs.
Identifiers: ClinVar variation 4083411 (VCV004083411.1).